The following is an entry in ClinVar:

ClinVar aggregate classification (germline): Conflicting classifications of pathogenicity. Review status: criteria provided, conflicting classifications (1 of 4 stars). 2 submissions from 2 submitters: Likely pathogenic (1); Uncertain significance (1). Last evaluated 2025-08-24.

Conditions:
Mucopolysaccharidosis, MPS-II (MPS2). Also called: Hunter Syndrome; IDURONATE 2-SULFATASE DEFICIENCY; Mucopolysaccharidosis Type II; Mucopolysaccharidosis type 2; Attenuated MPS (subtype; formerly known as mild MPS II); Severe MPS II. Identifiers: Orphanet 580, Orphanet 79388, MedGen C0026705, MONDO:0010674, OMIM 309900.

Submissions (2):

Labcorp Genetics (formerly Invitae), Labcorp
Classification: Uncertain significance for Mucopolysaccharidosis, MPS-II. Last evaluated: 2025-08-24. Review status: criteria provided, single submitter. Criteria: Invitae Variant Classification Sherloc (09022015). Collection method: clinical testing. Allele origin: germline.
Comment: This sequence change replaces asparagine, which is neutral and polar, with histidine, which is basic and polar, at codon 534 of the IDS protein (p.Asn534His). This variant is not present in population databases (gnomAD no frequency). This missense change has been observed in individual(s) with mucopolysaccharidosis type II (PMID: 27351199, 31877959). ClinVar contains an entry for this variant (Variation ID: 3256092). Invitae Evidence Modeling of protein sequence and biophysical properties (such as structural, functional, and spatial information, amino acid conservation, physicochemical variation, residue mobility, and thermodynamic stability) has been performed for this missense variant. However, the output from this modeling did not meet the statistical confidence thresholds required to predict the impact of this variant on IDS protein function. In summary, the available evidence is currently insufficient to determine the role of this variant in disease. Therefore, it has been classified as a Variant of Uncertain Significance.

Laboratory of Diagnosis and Therapy of Lysosomal Disorders, University of Padova
Classification: Likely pathogenic for Mucopolysaccharidosis, MPS-II. Last evaluated: 2024-06-07. Review status: criteria provided, single submitter. Criteria: ACMG Guidelines, 2015. Collection method: literature only. Allele origin: germline. Affected: yes. Observed: 2 variant alleles.
Comment: Absent from controls (or at low frequency) in gnomAD database (PM2_Moderate), Missense variant in a gene with a low rate of benign missense variation (PP2_Supporting), Multiple lines of computational evidence support a deleterious effect (PP3_Supporting), Patient’s phenotype or family history highly specific for the disease (PP4_Strong)

Classification method: ACMG Guidelines [PMID:25741868] with modifications

Literature cited by the submitters: PubMed 27351199 (cited by Labcorp Genetics (formerly Invitae), Labcorp and Laboratory of Diagnosis and Therapy of Lysosomal Disorders, University of Padova); PubMed 31877959 (cited by Labcorp Genetics (formerly Invitae), Labcorp and Laboratory of Diagnosis and Therapy of Lysosomal Disorders, University of Padova).

NM_000202.8(IDS):c.1600A>C (p.Asn534His)

Gene: IDS (iduronate 2-sulfatase; minus strand). Cytogenetic location: Xq28.
Variant type: single nucleotide variant.
Coding change: c.1600A>C on transcript NM_000202.8 (MANE Select); coding-DNA position 1600, A replaced by C.
Protein change: p.Asn534His; replaces asparagine 534 with histidine.
Molecular consequence: missense variant.
Genome position (GRCh38, 1-based): chrX:149,482,799, T>G on the plus strand (A>C on the coding strand, the complement: IDS is on the minus strand). VCF-style: chrX-149482799-T-G. GRCh37 (hg19) VCF-style: chrX-148564330-T-G.
Other names: c.1330A>C, p.Asn444His (NM_001166550.4); short protein forms N444H, N534H.
Identifiers: ClinVar variation 3256092 (VCV003256092.3).